The following is an entry in ClinVar:

ClinVar aggregate classification (germline): Uncertain significance (1 of 4 stars; one submission).

Submission:

Labcorp Genetics (formerly Invitae), Labcorp
Classification: Uncertain significance. Last evaluated: 2023-09-22. Review status: criteria provided, single submitter. Criteria: Invitae Variant Classification Sherloc (09022015). Collection method: clinical testing. Allele origin: germline.
Comment: This sequence change replaces proline, which is neutral and non-polar, with arginine, which is basic and polar, at codon 65 of the ANKH protein (p.Pro65Arg). This variant is not present in population databases (gnomAD no frequency). This variant has not been reported in the literature in individuals affected with ANKH-related conditions. Advanced modeling of protein sequence and biophysical properties (such as structural, functional, and spatial information, amino acid conservation, physicochemical variation, residue mobility, and thermodynamic stability) performed at Invitae indicates that this missense variant is expected to disrupt ANKH protein function. In summary, the available evidence is currently insufficient to determine the role of this variant in disease. Therefore, it has been classified as a Variant of Uncertain Significance.

NM_054027.6(ANKH):c.194C>G (p.Pro65Arg)

Gene: ANKH (ANKH inorganic pyrophosphate transport regulator; minus strand). Cytogenetic location: 5p15.2.
Variant type: single nucleotide variant.
Coding change: c.194C>G on transcript NM_054027.6 (MANE Select); coding-DNA position 194, C replaced by G.
Protein change: p.Pro65Arg; replaces proline 65 with arginine.
Molecular consequence: missense variant.
Genome position (GRCh38, 1-based): chr5:14,769,094, G>C on the plus strand (C>G on the coding strand, the complement: ANKH is on the minus strand). VCF-style: chr5-14769094-G-C. GRCh37 (hg19) VCF-style: chr5-14769203-G-C.
Other names: short protein forms P65R.
Identifiers: ClinVar variation 2760688 (VCV002760688.3), dbSNP rs2477460266, ClinGen allele CA359253519.